The following is an entry in ClinVar:

ClinVar aggregate classification (germline): Conflicting classifications of pathogenicity. Review status: criteria provided, conflicting classifications (1 of 4 stars). 6 submissions from 6 submitters: Uncertain significance (1); Likely benign (5). Last evaluated 2025-11-14.

Conditions:
RYR1-related disorder. Also called: RYR1-related disorders; RYR1-related condition. Identifiers: MedGen CN239331.
Malignant hyperthermia, susceptibility to, 1 (MHS1). Also called: RYR1-Related Malignant Hyperthermia Susceptibility; Malignant hyperthermia suceptibility 1; Anesthesia related hyperthermia; Malignant hyperpyrexia; Fulminating hyperpyrexia; Pharmacogenic myopathy. Identifiers: Orphanet 423, MedGen C2930980, MONDO:0007783, OMIM 145600.

Allele frequency attached by ClinVar (database versions not stated): TOPMed 0.00001; gnomAD exomes 0.00002 and 0.00004; ExAC 0.00003; gnomAD 0.00003 and 0.00004.
gnomAD v4.1: 67 of 1,613,904 alleles (0.0042%); highest among the groups gnomAD compares: Non-Finnish European, 0.005%; no homozygotes.

Submissions (6):

Labcorp Genetics (formerly Invitae), Labcorp
Classification: Likely benign for RYR1-related disorder. Last evaluated: 2025-11-14. Review status: criteria provided, single submitter. Criteria: Invitae Variant Classification Sherloc (09022015). Collection method: clinical testing. Allele origin: germline.

CeGaT Center for Human Genetics Tuebingen
Classification: Likely benign. Last evaluated: 2025-06-01. Review status: criteria provided, single submitter. Criteria: CeGaT Center For Human Genetics Tuebingen Variant Classification Criteria Version 2. Collection method: clinical testing. Allele origin: germline. Affected: yes. Observed: 2 variant alleles.
Comment: RYR1: BP4, BP7

Blueprint Genetics
Classification: Likely benign. Last evaluated: 2024-11-06. Review status: criteria provided, single submitter. Criteria: ACMG Guidelines, 2015. Collection method: clinical testing. Allele origin: germline.

All of Us Research Program, National Institutes of Health
Classification: Likely benign for Malignant hyperthermia, susceptibility to, 1. Last evaluated: 2023-11-30. Review status: criteria provided, single submitter. Criteria: ACMG Guidelines, 2015. Collection method: clinical testing. Allele origin: germline. Inheritance: Autosomal dominant inheritance. Observed: 9 variant alleles, 9 heterozygotes.
Comment: This study involves interpretation of variants in research participants for the purpose of population health screening. Participant phenotype was not available at the time of variant classification. Additional details can be found in publication PMID: 35346344, PMCID: PMC8962531

Color Diagnostics, LLC DBA Color Health
Classification: Likely benign for Malignant hyperthermia, susceptibility to, 1. Last evaluated: 2022-04-29. Review status: criteria provided, single submitter. Criteria: ACMG Guidelines, 2015. Collection method: clinical testing. Allele origin: germline.

PreventionGenetics, part of Exact Sciences
Classification: Uncertain significance. Last evaluated: 2013-10-30. Review status: criteria provided, single submitter. Criteria: ACMG Guidelines, 2015. Collection method: clinical testing. Allele origin: germline.

NM_000540.3(RYR1):c.14700C>T (p.Asp4900=)

Gene: RYR1 (ryanodine receptor 1; plus strand). Cytogenetic location: 19q13.2.
Variant type: single nucleotide variant.
Coding change: c.14700C>T on transcript NM_000540.3 (MANE Select); coding-DNA position 14700, C replaced by T.
Protein change: p.Asp4900=; no amino-acid change (aspartic acid 4900 retained).
Molecular consequence: synonymous variant.
Genome position (GRCh38, 1-based): chr19:38,584,996, C>T. VCF-style: chr19-38584996-C-T. GRCh37 (hg19) VCF-style: chr19-39075636-C-T.
Other names: c.14685C>T, p.Asp4895= (NM_001042723.2).
Identifiers: ClinVar variation 590471 (VCV000590471.41), dbSNP rs759063883, ClinGen allele CA081298.